The following is an entry in ClinVar:

NM_001079802.2(FKTN):c.326A>G (p.Asp109Gly)

Gene: FKTN (fukutin; plus strand). Cytogenetic location: 9q31.2.
Variant type: single nucleotide variant.
Coding change: c.326A>G on transcript NM_001079802.2 (MANE Select); coding-DNA position 326, A replaced by G.
Protein change: p.Asp109Gly; replaces aspartic acid 109 with glycine.
Molecular consequence: missense variant. On other transcripts: 5 prime UTR variant (4), non-coding transcript variant (2).
Genome position (GRCh38, 1-based): chr9:105,601,305, A>G. VCF-style: chr9-105601305-A-G. GRCh37 (hg19) VCF-style: chr9-108363586-A-G.
Other names: c.326A>G, p.Asp109Gly (NM_001198963.2, NM_001351496.2, NM_001351498.2 and 1 more transcripts); c.257A>G, p.Asp86Gly (NM_001351497.2); c.-189A>G (NM_001351499.2, NM_001351500.2, NM_001351501.2 and 1 more transcripts); short protein forms D86G, D109G.
Identifiers: ClinVar variation 3850543 (VCV003850543.1).

ClinVar aggregate classification (germline): Uncertain significance (1 of 4 stars; one submission).

Conditions:
Cardiovascular phenotype. Identifiers: MedGen CN230736.

Submission:

Ambry Genetics
Classification: Uncertain significance for Cardiovascular phenotype. Last evaluated: 2025-02-27. Review status: criteria provided, single submitter. Criteria: Ambry Variant Classification Scheme 2023. Collection method: clinical testing. Allele origin: germline.
Comment: The p.D109G variant (also known as c.326A>G), located in coding exon 3 of the FKTN gene, results from an A to G substitution at nucleotide position 326. The aspartic acid at codon 109 is replaced by glycine, an amino acid with similar properties. This amino acid position is conserved. In addition, this alteration is predicted to be deleterious by in silico analysis. Based on the available evidence, the clinical significance of this variant remains unclear.